The following is an entry in ClinVar:

ClinVar aggregate classification (germline): Uncertain significance (1 of 4 stars; one submission).

Conditions:
Familial cancer of breast. Also called: BREAST CANCER, FAMILIAL; Hereditary breast cancer; hereditary breast carcinoma. Identifiers: Orphanet 227535, MedGen C0346153, MONDO:0016419, OMIM 114480. Disease mechanism: loss of function.

Submission:

Labcorp Genetics (formerly Invitae), Labcorp
Classification: Uncertain significance for Familial cancer of breast. Last evaluated: 2024-05-06. Review status: criteria provided, single submitter. Criteria: Invitae Variant Classification Sherloc (09022015). Collection method: clinical testing. Allele origin: germline.
Comment: This sequence change falls in intron 1 of the BARD1 gene. It does not directly change the encoded amino acid sequence of the BARD1 protein. RNA analysis indicates that this variant induces altered splicing and likely results in the gain of 1 amino acid residue(s), but is expected to preserve the integrity of the reading-frame. This variant is not present in population databases (gnomAD no frequency). This variant has not been reported in the literature in individuals affected with BARD1-related conditions. ClinVar contains an entry for this variant (Variation ID: 406774). Studies have shown that this variant results in the activation of a cryptic splice site in intron 1 (Invitae). In summary, the available evidence is currently insufficient to determine the role of this variant in disease. Therefore, it has been classified as a Variant of Uncertain Significance.

NM_000465.4(BARD1):c.159-4A>G

Gene: BARD1 (BRCA1 associated RING domain 1; minus strand). Cytogenetic location: 2q35.
Variant type: single nucleotide variant.
Coding change: c.159-4A>G on transcript NM_000465.4 (MANE Select); 4 bases into the intron before coding-DNA position 159, A replaced by G.
Molecular consequence: intron variant.
Genome position (GRCh38, 1-based): chr2:214,797,121, T>C on the plus strand (A>G on the coding strand, the complement: BARD1 is on the minus strand). VCF-style: chr2-214797121-T-C. GRCh37 (hg19) VCF-style: chr2-215661845-T-C.
Other names: c.159-4A>G (LRG_297t1, NM_001282545.2, NM_001282549.2); c.158+12291A>G (NM_001282548.2); c.159-4676A>G (NM_001282543.2).
Identifiers: ClinVar variation 406774 (VCV000406774.9), dbSNP rs1060501299, ClinGen allele CA16610668.